The following is an entry in ClinVar:

NC_000003.12:g.183020232TCCT[1]

Gene: MCCC1 (methylcrotonyl-CoA carboxylase subunit 1; minus strand). Cytogenetic location: 3q27.1.
Variant type: Microsatellite.
Genome position: GRCh38 VCF-style: chr3-183020229-ACTTC-A. GRCh37 (hg19) VCF-style: chr3-182738017-ACTTC-A.
Identifiers: ClinVar variation 4705352 (VCV004705352.1).

ClinVar aggregate classification (germline): Pathogenic (1 of 4 stars; one submission).

Conditions:
3-methylcrotonyl-CoA carboxylase 1 deficiency (MCC1D). Also called: MCCD TYPE 1; METHYLCROTONYLGLYCINURIA TYPE I; MCC 1 deficiency; 3 Alpha methylcrotonylglycinuria 1. Identifiers: Orphanet 6, MedGen CN028786, MONDO:0008861, OMIM 210200.

Submission:

Labcorp Genetics (formerly Invitae), Labcorp
Classification: Pathogenic for 3-methylcrotonyl-CoA carboxylase 1 deficiency. Last evaluated: 2025-06-24. Review status: criteria provided, single submitter. Criteria: Invitae Variant Classification Sherloc (09022015). Collection method: clinical testing. Allele origin: germline.
Comment: This sequence change creates a premature translational stop signal (p.Gly625Valfs*15) in the MCCC1 gene. It is expected to result in an absent or disrupted protein product. Loss-of-function variants in MCCC1 are known to be pathogenic (PMID: 11181649, 15359379, 22642865). This variant is not present in population databases (gnomAD no frequency). This variant has not been reported in the literature in individuals affected with MCCC1-related conditions. Algorithms developed to predict the effect of sequence changes on RNA splicing suggest that this variant may create or strengthen a splice site. For these reasons, this variant has been classified as Pathogenic.

Literature cited by the submitters: PubMed 11181649; PubMed 15359379; PubMed 22642865.